The following is an entry in ClinVar:

NM_001298.3(CNGA3):c.814G>T (p.Glu272Ter)

Gene: CNGA3 (cyclic nucleotide gated channel subunit alpha 3; plus strand). Cytogenetic location: 2q11.2.
Variant type: single nucleotide variant.
Coding change: c.814G>T on transcript NM_001298.3 (MANE Select); coding-DNA position 814, G replaced by T.
Protein change: p.Glu272Ter; replaces glutamic acid 272 with a stop codon.
Molecular consequence: nonsense.
Genome position (GRCh38, 1-based): chr2:98,395,984, G>T. VCF-style: chr2-98395984-G-T. GRCh37 (hg19) VCF-style: chr2-99012447-G-T.
Other names: c.760G>T, p.Glu254Ter (NM_001079878.2); short protein forms E272*, E254*.
Identifiers: ClinVar variation 2001529 (VCV002001529.4), dbSNP rs2467027887, ClinGen allele CA347832200.

ClinVar aggregate classification (germline): Pathogenic (1 of 4 stars; one submission).

Submission:

Labcorp Genetics (formerly Invitae), Labcorp
Classification: Pathogenic. Last evaluated: 2022-06-02. Review status: criteria provided, single submitter. Criteria: Invitae Variant Classification Sherloc (09022015). Collection method: clinical testing. Allele origin: germline.
Comment: This variant has not been reported in the literature in individuals affected with CNGA3-related conditions. This sequence change creates a premature translational stop signal (p.Glu272*) in the CNGA3 gene. While this is not anticipated to result in nonsense mediated decay, it is expected to disrupt the last 423 amino acid(s) of the CNGA3 protein. This variant is not present in population databases (gnomAD no frequency). This variant disrupts a region of the CNGA3 protein in which other variant(s) (p.Arg661Ser) have been determined to be pathogenic (PMID: 24676353, 30711023; Invitae). This suggests that this is a clinically significant region of the protein, and that variants that disrupt it are likely to be disease-causing. For these reasons, this variant has been classified as Pathogenic.

Literature cited by the submitters: PubMed 24676353; PubMed 30711023.